The following is an entry in ClinVar:

ClinVar aggregate classification (germline): Uncertain significance. Review status: criteria provided, multiple submitters, no conflicts (2 of 4 stars). 2 submissions from 2 submitters: Uncertain significance (2). Last evaluated 2025-07-18.

Conditions:
Hereditary cancer-predisposing syndrome. Also called: Tumor predisposition; Hereditary neoplastic syndrome; Neoplastic Syndromes, Hereditary; Hereditary Cancer Syndrome. Identifiers: Orphanet 140162, MedGen C0027672, MeSH D009386, MONDO:0015356.

Allele frequency attached by ClinVar (database versions not stated): gnomAD exomes 0.00001.
gnomAD v4.1: 3 of 1,601,618 alleles (0.00019%); highest among the groups gnomAD compares: East Asian, 0.0067%; no homozygotes.

Submissions (2):

Ambry Genetics
Classification: Uncertain significance for Hereditary cancer-predisposing syndrome. Last evaluated: 2025-07-18. Review status: criteria provided, single submitter. Criteria: Ambry Variant Classification Scheme 2023. Collection method: clinical testing. Allele origin: germline.
Comment: The p.P15S variant (also known as c.43C>T), located in coding exon 1 of the CTNNA1 gene, results from a C to T substitution at nucleotide position 43. The proline at codon 15 is replaced by serine, an amino acid with similar properties. This amino acid position is highly conserved in available vertebrate species. In addition, the in silico prediction for this alteration is inconclusive. Based on the available evidence, the clinical significance of this variant remains unclear.

Labcorp Genetics (formerly Invitae), Labcorp
Classification: Uncertain significance. Last evaluated: 2025-04-11. Review status: criteria provided, single submitter. Criteria: Invitae Variant Classification Sherloc (09022015). Collection method: clinical testing. Allele origin: germline.
Comment: This sequence change replaces proline, which is neutral and non-polar, with serine, which is neutral and polar, at codon 15 of the CTNNA1 protein (p.Pro15Ser). This variant is not present in population databases (gnomAD no frequency). This variant has not been reported in the literature in individuals affected with CTNNA1-related conditions. ClinVar contains an entry for this variant (Variation ID: 845223). Invitae Evidence Modeling of protein sequence and biophysical properties (such as structural, functional, and spatial information, amino acid conservation, physicochemical variation, residue mobility, and thermodynamic stability) indicates that this missense variant is not expected to disrupt CTNNA1 protein function with a negative predictive value of 80%. In summary, the available evidence is currently insufficient to determine the role of this variant in disease. Therefore, it has been classified as a Variant of Uncertain Significance.

NM_001903.5(CTNNA1):c.43C>T (p.Pro15Ser)

Gene: CTNNA1 (catenin alpha 1; plus strand). Cytogenetic location: 5q31.2.
Variant type: single nucleotide variant.
Coding change: c.43C>T on transcript NM_001903.5 (MANE Select); coding-DNA position 43, C replaced by T.
Protein change: p.Pro15Ser; replaces proline 15 with serine.
Molecular consequence: missense variant. On other transcripts: 5 prime UTR variant (2).
Genome position (GRCh38, 1-based): chr5:138,781,967, C>T. VCF-style: chr5-138781967-C-T. GRCh37 (hg19) VCF-style: chr5-138117656-C-T.
Other names: c.43C>T (NM_001903.2); c.43C>T, p.Pro15Ser (NM_001290307.3, NM_001323982.2, NM_001323983.1 and 3 more transcripts); c.-71C>T (NM_001290309.3); c.-164C>T (NM_001290310.3); short protein forms P15S.
Identifiers: ClinVar variation 845223 (VCV000845223.10), dbSNP rs1755160090, ClinGen allele CA361477116.